The following is an entry in ClinVar:

NM_000432.4(MYL2):c.454T>C (p.Tyr152His)

Gene: MYL2 (myosin light chain 2; minus strand). Cytogenetic location: 12q24.11.
Variant type: single nucleotide variant.
Coding change: c.454T>C on transcript NM_000432.4 (MANE Select); coding-DNA position 454, T replaced by C.
Protein change: p.Tyr152His; replaces tyrosine 152 with histidine.
Molecular consequence: missense variant.
Genome position (GRCh38, 1-based): chr12:110,911,124, A>G on the plus strand (T>C on the coding strand, the complement: MYL2 is on the minus strand). VCF-style: chr12-110911124-A-G. GRCh37 (hg19) VCF-style: chr12-111348928-A-G.
Other names: c.412T>C, p.Tyr138His (NM_001406745.1, NM_001406746.1); c.397T>C, p.Tyr133His (NM_001406916.1); short protein forms Y133H, Y138H, Y152H.
Identifiers: ClinVar variation 2581773 (VCV002581773.1), dbSNP rs766036025, ClinGen allele CA043183.
Genomic context (GRCh38, chr12:110,911,124, plus strand): 5'-AGCGAGCCCCCTCCTAGTCCTTCTCTTCTCCGTGGGTGATGATGTGCACCAGGTTCTTGT[A>G]GTCCAAGTTGCCAGTCACGTCAGGGGGGAAGGCGGCGAACATCTGGTCAACCTGCAATGA-3'
Protein context (NP_000423.2, residues 142-162): FPPDVTGNLD[Tyr152His]KNLVHIITHG

ClinVar aggregate classification (germline): Uncertain significance (1 of 4 stars; one submission).

Allele frequency attached by ClinVar (database versions not stated): gnomAD exomes below 0.00001; ExAC 0.00002.
gnomAD v4.1: 3 of 1,611,312 alleles (0.00019%); highest among the groups gnomAD compares: South Asian, 0.0033%; no homozygotes.

Submission:

GeneDx
Classification: Uncertain significance. Last evaluated: 2023-09-27. Review status: criteria provided, single submitter. Criteria: GeneDx Variant Classification Process June 2021. Collection method: clinical testing. Allele origin: germline. Affected: yes.
Comment: Has not been previously published as pathogenic or benign to our knowledge; Not observed at significant frequency in large population cohorts (gnomAD); In silico analysis supports that this missense variant has a deleterious effect on protein structure/function